The following is an entry in ClinVar:

NM_006648.4(WNK2):c.5038T>G (p.Phe1680Val)

Gene: WNK2 (WNK lysine deficient protein kinase 2; plus strand). Cytogenetic location: 9q22.31.
Variant type: single nucleotide variant.
Coding change: c.5038T>G on transcript NM_006648.4 (MANE Select); coding-DNA position 5038, T replaced by G.
Protein change: p.Phe1680Val; replaces phenylalanine 1680 with valine.
Molecular consequence: missense variant.
Genome position (GRCh38, 1-based): chr9:93,292,503, T>G. VCF-style: chr9-93292503-T-G. GRCh37 (hg19) VCF-style: chr9-96054785-T-G.
Other names: c.5149T>G, p.Phe1717Val (NM_001282394.3); short protein forms F1717V, F1680V.
Identifiers: ClinVar variation 4201636 (VCV004201636.1).

ClinVar aggregate classification (germline): Uncertain significance (1 of 4 stars; one submission).

gnomAD v4.1: 1 of 1,597,522 alleles (0.000063%); highest among the groups gnomAD compares: African/African-American, 0.0013%; no homozygotes.

Submission:

Ambry Genetics
Classification: Uncertain significance. Last evaluated: 2025-07-17. Review status: criteria provided, single submitter. Criteria: Ambry Variant Classification Scheme 2023. Collection method: clinical testing. Allele origin: germline.
Comment: The p.F1680V variant (also known as c.5038T>G), located in coding exon 22 of the WNK2 gene, results from a T to G substitution at nucleotide position 5038. The phenylalanine at codon 1680 is replaced by valine, an amino acid with highly similar properties. This amino acid position is conserved. In addition, this alteration is predicted to be tolerated by in silico analysis. Based on the available evidence, the clinical significance of this variant remains unclear.